The following is an entry in ClinVar:

NM_015346.4(ZFYVE26):c.4359T>A (p.Cys1453Ter)

Gene: ZFYVE26 (zinc finger FYVE-type containing 26; minus strand). Cytogenetic location: 14q24.1.
Variant type: single nucleotide variant.
Coding change: c.4359T>A on transcript NM_015346.4 (MANE Select); coding-DNA position 4359, T replaced by A.
Protein change: p.Cys1453Ter; replaces cysteine 1453 with a stop codon.
Molecular consequence: nonsense.
Genome position (GRCh38, 1-based): chr14:67,782,793, A>T on the plus strand (T>A on the coding strand, the complement: ZFYVE26 is on the minus strand). VCF-style: chr14-67782793-A-T. GRCh37 (hg19) VCF-style: chr14-68249510-A-T.
Other names: short protein forms C1453*.
Identifiers: ClinVar variation 803037 (VCV000803037.5), dbSNP rs1594912625, ClinGen allele CA390169985.

ClinVar aggregate classification (germline): Pathogenic. Review status: criteria provided, multiple submitters, no conflicts (2 of 4 stars). 2 submissions from 2 submitters: Pathogenic (2). Last evaluated 2022-03-07.

Conditions:
Hereditary spastic paraplegia 15 (SPG15). Also called: KJELLIN SYNDROME; SPASTIC PARAPLEGIA 15, AUTOSOMAL RECESSIVE; SPASTIC PARAPLEGIA AND RETINAL DEGENERATION. Identifiers: Orphanet 100996, MedGen C1849128, MONDO:0010044, OMIM 270700.
Spastic paraplegia. Identifiers: MedGen C0037772, HP:0001258.

Submissions (2):

Labcorp Genetics (formerly Invitae), Labcorp
Classification: Pathogenic for Spastic paraplegia. Last evaluated: 2022-03-07. Review status: criteria provided, single submitter. Criteria: Invitae Variant Classification Sherloc (09022015). Collection method: clinical testing. Allele origin: germline.
Comment: For these reasons, this variant has been classified as Pathogenic. ClinVar contains an entry for this variant (Variation ID: 803037). This variant has not been reported in the literature in individuals affected with ZFYVE26-related conditions. This variant is not present in population databases (gnomAD no frequency). This sequence change creates a premature translational stop signal (p.Cys1453*) in the ZFYVE26 gene. It is expected to result in an absent or disrupted protein product. Loss-of-function variants in ZFYVE26 are known to be pathogenic (PMID: 18394578, 19805727).

Mendelics
Classification: Pathogenic for Hereditary spastic paraplegia 15. Last evaluated: 2019-05-28. Review status: criteria provided, single submitter. Criteria: Mendelics Assertion Criteria 2017. Collection method: clinical testing. Allele origin: unknown.

Literature cited by the submitters: PubMed 18394578 (cited by Labcorp Genetics (formerly Invitae), Labcorp); PubMed 19805727 (cited by Labcorp Genetics (formerly Invitae), Labcorp).